The following is an entry in ClinVar:

ClinVar aggregate classification (germline): Uncertain significance (1 of 4 stars; one submission).

Conditions:
Spastic paraplegia. Identifiers: MedGen C0037772, HP:0001258.

Submission:

Labcorp Genetics (formerly Invitae), Labcorp
Classification: Uncertain significance for Spastic paraplegia. Last evaluated: 2023-12-19. Review status: criteria provided, single submitter. Criteria: Invitae Variant Classification Sherloc (09022015). Collection method: clinical testing. Allele origin: germline.
Comment: This sequence change replaces aspartic acid, which is acidic and polar, with glutamic acid, which is acidic and polar, at codon 311 of the KIF5A protein (p.Asp311Glu). This variant is not present in population databases (gnomAD no frequency). This variant has not been reported in the literature in individuals affected with KIF5A-related conditions. ClinVar contains an entry for this variant (Variation ID: 2189777). Advanced modeling of protein sequence and biophysical properties (such as structural, functional, and spatial information, amino acid conservation, physicochemical variation, residue mobility, and thermodynamic stability) performed at Invitae indicates that this missense variant is not expected to disrupt KIF5A protein function with a negative predictive value of 95%. In summary, the available evidence is currently insufficient to determine the role of this variant in disease. Therefore, it has been classified as a Variant of Uncertain Significance.

NM_004984.4(KIF5A):c.933T>A (p.Asp311Glu)

Gene: KIF5A (kinesin family member 5A; plus strand). Cytogenetic location: 12q13.3.
Variant type: single nucleotide variant.
Coding change: c.933T>A on transcript NM_004984.4 (MANE Select); coding-DNA position 933, T replaced by A.
Protein change: p.Asp311Glu; replaces aspartic acid 311 with glutamic acid.
Molecular consequence: missense variant.
Genome position (GRCh38, 1-based): chr12:57,569,369, T>A. VCF-style: chr12-57569369-T-A. GRCh37 (hg19) VCF-style: chr12-57963152-T-A.
Other names: c.666T>A, p.Asp222Glu (NM_001354705.2); short protein forms D222E, D311E.
Identifiers: ClinVar variation 2189777 (VCV002189777.4), dbSNP rs1048845476, ClinGen allele CA237783322.